The following is an entry in ClinVar:

NM_003239.5(TGFB3):c.1162A>T (p.Ile388Phe)

Gene: TGFB3 (transforming growth factor beta 3; minus strand). Cytogenetic location: 14q24.3.
Variant type: single nucleotide variant.
Coding change: c.1162A>T on transcript NM_003239.5 (MANE Select); coding-DNA position 1162, A replaced by T.
Protein change: p.Ile388Phe; replaces isoleucine 388 with phenylalanine.
Molecular consequence: missense variant.
Genome position (GRCh38, 1-based): chr14:75,959,264, T>A on the plus strand (A>T on the coding strand, the complement: TGFB3 is on the minus strand). VCF-style: chr14-75959264-T-A. GRCh37 (hg19) VCF-style: chr14-76425607-T-A.
Other names: c.1162A>T, p.Ile388Phe (NM_001329939.2); short protein forms I388F.
Identifiers: ClinVar variation 2633197 (VCV002633197.2), dbSNP rs2504093632, ClinGen allele CA390466974.

ClinVar aggregate classification (germline): Uncertain significance (1 of 4 stars; one submission).

Conditions:
TGFB3-related disorder. Also called: TGFB3-related condition.

Submission:

PreventionGenetics, part of Exact Sciences
Classification: Uncertain significance for TGFB3-related condition. Last evaluated: 2025-05-12. Review status: criteria provided, single submitter. Criteria: ACMG Guidelines, 2015. Collection method: clinical testing. Allele origin: germline.
Comment: The TGFB3 c.1162A>T variant is predicted to result in the amino acid substitution p.Ile388Phe. To our knowledge, this variant has not been reported in the literature or in a large population database (gnomAD), indicating this variant is rare. At this time, the clinical significance of this variant is uncertain due to the absence of conclusive functional and genetic evidence.